The following is an entry in ClinVar:

NM_024665.7(TBL1XR1):c.139G>A (p.Ala47Thr)

Gene: TBL1XR1 (TBL1X/Y related 1; minus strand). Cytogenetic location: 3q26.32.
Variant type: single nucleotide variant.
Coding change: c.139G>A on transcript NM_024665.7 (MANE Select); coding-DNA position 139, G replaced by A.
Protein change: p.Ala47Thr; replaces alanine 47 with threonine.
Molecular consequence: missense variant. On other transcripts: 5 prime UTR variant (2).
Genome position (GRCh38, 1-based): chr3:177,053,838, C>T on the plus strand (G>A on the coding strand, the complement: TBL1XR1 is on the minus strand). VCF-style: chr3-177053838-C-T. GRCh37 (hg19) VCF-style: chr3-176771626-C-T.
Other names: c.139G>A (NM_024665.4); c.139G>A, p.Ala47Thr (NM_001321193.3, NM_001321194.3, NM_001374327.1 and 2 more transcripts); c.-123G>A (NM_001321195.3, NM_001374330.1); short protein forms A47T.
Identifiers: ClinVar variation 809565 (VCV000809565.46), dbSNP rs1253058954, ClinGen allele CA355553676.

ClinVar aggregate classification (germline): Uncertain significance. Review status: criteria provided, multiple submitters, no conflicts (2 of 4 stars). 3 submissions from 3 submitters: Uncertain significance (3). Last evaluated 2025-07-01.

Conditions:
Pierpont syndrome (PRPTS). Identifiers: Orphanet 487825, MedGen C1865644, MONDO:0011213, OMIM 602342.

Submissions (3):

CeGaT Center for Human Genetics Tuebingen
Classification: Uncertain significance. Last evaluated: 2025-07-01. Review status: criteria provided, single submitter. Criteria: CeGaT Center For Human Genetics Tuebingen Variant Classification Criteria Version 2. Collection method: clinical testing. Allele origin: germline. Affected: yes. Observed: 2 variant alleles.
Comment: TBL1XR1: PM2, PP2

GeneDx
Classification: Uncertain significance. Last evaluated: 2024-03-20. Review status: criteria provided, single submitter. Criteria: GeneDx Variant Classification Process June 2021. Collection method: clinical testing. Allele origin: germline. Affected: yes.
Comment: Not observed at significant frequency in large population cohorts (gnomAD); In silico analysis supports that this missense variant has a deleterious effect on protein structure/function; Has not been previously published as pathogenic or benign to our knowledge

Labcorp Genetics (formerly Invitae), Labcorp
Classification: Uncertain significance for Pierpont syndrome. Last evaluated: 2023-02-27. Review status: criteria provided, single submitter. Criteria: Invitae Variant Classification Sherloc (09022015). Collection method: clinical testing. Allele origin: germline.
Comment: This sequence change replaces alanine, which is neutral and non-polar, with threonine, which is neutral and polar, at codon 47 of the TBL1XR1 protein (p.Ala47Thr). This variant is not present in population databases (gnomAD no frequency). This variant has not been reported in the literature in individuals affected with TBL1XR1-related conditions. ClinVar contains an entry for this variant (Variation ID: 809565). Advanced modeling of protein sequence and biophysical properties (such as structural, functional, and spatial information, amino acid conservation, physicochemical variation, residue mobility, and thermodynamic stability) performed at Invitae indicates that this missense variant is expected to disrupt TBL1XR1 protein function. In summary, the available evidence is currently insufficient to determine the role of this variant in disease. Therefore, it has been classified as a Variant of Uncertain Significance.